The following is an entry in ClinVar:

ClinVar aggregate classification (germline): Benign/Likely benign. Review status: criteria provided, multiple submitters, no conflicts (2 of 4 stars). 5 submissions from 5 submitters: Benign (1); Likely benign (3). 1 of the submissions does not count toward it. Last evaluated 2026-06-05.

Conditions:
KIT-related disorder. Also called: KIT-related condition.
Hereditary cancer-predisposing syndrome. Also called: Neoplastic Syndromes, Hereditary; Hereditary Cancer Syndrome; Hereditary neoplastic syndrome; Tumor predisposition. Identifiers: Orphanet 140162, MedGen C0027672, MeSH D009386, MONDO:0015356.
Gastrointestinal stromal tumor. Also called: Gastrointestinal stromal tumor, somatic; Gastrointestinal stroma tumor. Identifiers: Orphanet 44890, MedGen C0238198, MeSH D046152, MONDO:0011719, OMIM 606764, HP:0100723.

Allele frequency attached by ClinVar (database versions not stated): ExAC 0.00002; gnomAD 0.00004 and 0.00005.
gnomAD v4.1: 22 of 1,613,978 alleles (0.0014%); highest among the groups gnomAD compares: Admixed American, 0.01%; no homozygotes.

Submissions (5):

Myriad Genetics, Inc.
Classification: Benign for Gastrointestinal stromal tumor. Last evaluated: 2026-06-05. Review status: criteria provided, single submitter. Criteria: Myriad Autosomal Dominant, Autosomal Recessive and X-Linked Classification Criteria (2023). Collection method: clinical testing. Allele origin: unknown.
Comment: This variant is considered benign. This variant is a silent/synonymous amino acid change and it is not expected to impact splicing.

Labcorp Genetics (formerly Invitae), Labcorp
Classification: Likely benign for Gastrointestinal stromal tumor. Last evaluated: 2026-01-26. Review status: criteria provided, single submitter. Criteria: Invitae Variant Classification Sherloc (09022015). Collection method: clinical testing. Allele origin: germline.

Blueprint Genetics
Classification: Likely benign. Last evaluated: 2024-11-01. Review status: criteria provided, single submitter. Criteria: ACMG Guidelines, 2015. Collection method: clinical testing. Allele origin: germline.

Ambry Genetics
Classification: Likely benign for Hereditary cancer-predisposing syndrome. Last evaluated: 2019-08-06. Review status: criteria provided, single submitter. Criteria: Ambry Variant Classification Scheme 2023. Collection method: clinical testing. Allele origin: germline.

PreventionGenetics, part of Exact Sciences
Classification: Likely benign for KIT-related condition. Last evaluated: 2023-07-13. Review status: no assertion criteria provided. Collection method: clinical testing. Allele origin: germline. Not counted in ClinVar's aggregate classification.
Comment: This variant is classified as likely benign based on ACMG/AMP sequence variant interpretation guidelines (Richards et al. 2015 PMID: 25741868, with internal and published modifications).

NM_000222.3(KIT):c.2541G>A (p.Thr847=)

Gene: KIT (KIT proto-oncogene, receptor tyrosine kinase; plus strand). Cytogenetic location: 4q12.
Variant type: single nucleotide variant.
Coding change: c.2541G>A on transcript NM_000222.3 (MANE Select); coding-DNA position 2541, G replaced by A.
Protein change: p.Thr847=; no amino-acid change (threonine 847 retained).
Molecular consequence: synonymous variant.
Genome position (GRCh38, 1-based): chr4:54,736,554, G>A. VCF-style: chr4-54736554-G-A. GRCh37 (hg19) VCF-style: chr4-55602720-G-A.
Other names: c.2529G>A, p.Thr843= (NM_001093772.2, NM_001385292.1); c.2544G>A, p.Thr848= (NM_001385284.1); c.2538G>A, p.Thr846= (NM_001385285.1); c.2526G>A, p.Thr842= (NM_001385286.1); c.2532G>A, p.Thr844= (NM_001385288.1); c.2541G>A, p.Thr847= (NM_001385290.1).
Identifiers: ClinVar variation 458922 (VCV000458922.20), dbSNP rs762912889, ClinGen allele CA2923789.
Genomic context (GRCh38, chr4:54,736,554, plus strand): 5'-ACAGGCTCGACTACCTGTGAAGTGGATGGCACCTGAAAGCATTTTCAACTGTGTATACAC[G>A]TTTGAAAGTGACGTCTGGTCCTATGGGATTTTTCTTTGGGAGCTGTTCTCTTTAGGTAAA-3'
Protein context (NP_000213.1, residues 837-857): APESIFNCVY[Thr847=]FESDVWSYGI